The following is an entry in ClinVar:

ClinVar aggregate classification (germline): Pathogenic (3 of 4 stars; one submission).

Conditions:
Breast-ovarian cancer, familial, susceptibility to, 2 (BROVCA2). Also called: BRCA2 Hereditary Breast and Ovarian Cancer. Identifiers: Orphanet 145, MedGen C2675520, MONDO:0012933, OMIM 612555. Disease mechanism: loss of function.

Submission:

Evidence-based Network for the Interpretation of Germline Mutant Alleles (ENIGMA)
Classification: Pathogenic for Breast-ovarian cancer, familial, susceptibility to, 2. Last evaluated: 2017-12-15. Review status: reviewed by expert panel. Criteria: ENIGMA BRCA1/2 Classification Criteria (2017-06-29). Collection method: curation. Allele origin: germline. Study: ENIGMA.
Comment: Variant allele predicted to encode a truncated non-functional protein.

NM_000059.4(BRCA2):c.8826_8827insG (p.Gln2943fs)

Gene: BRCA2 (BRCA2 DNA repair associated; plus strand). Cytogenetic location: 13q13.1.
Variant type: Insertion.
Coding change: c.8826_8827insG on transcript NM_000059.4 (MANE Select); coding-DNA positions 8826 to 8827, G inserted.
Protein change: p.Gln2943fs; shifts the reading frame from glutamine 2943.
Molecular consequence: frameshift variant.
Genome position: GRCh38 VCF-style: chr13-32379388-T-TG. GRCh37 (hg19) VCF-style: chr13-32953525-T-TG.
Other names: short protein forms Q2943fs.
Identifiers: ClinVar variation 548409 (VCV000548409.1), dbSNP rs1555288382, ClinGen allele CA658823615.